The following is an entry in ClinVar:

NM_173354.5(SIK1):c.599A>G (p.Tyr200Cys)

Gene: SIK1 (salt inducible kinase 1; minus strand). Cytogenetic location: 21q22.3.
Variant type: single nucleotide variant.
Coding change: c.599A>G on transcript NM_173354.5 (MANE Select); coding-DNA position 599, A replaced by G.
Protein change: p.Tyr200Cys; replaces tyrosine 200 with cysteine.
Molecular consequence: missense variant.
Genome position (GRCh38, 1-based): chr21:43,421,268, T>C on the plus strand (A>G on the coding strand, the complement: SIK1 is on the minus strand). VCF-style: chr21-43421268-T-C. GRCh37 (hg19) VCF-style: chr21-44841148-T-C.
Other names: short protein forms Y200C.
Identifiers: ClinVar variation 647292 (VCV000647292.11), dbSNP rs1601509903, ClinGen allele CA410609826.
Genomic context (GRCh38, chr21:43,421,268, plus strand): 5'-CTCGGGAAGGGGGTCTGCGCGCACAGGGCTCCTACCCAGATGTCCAGCTGGGGGCCTTCA[T>C]ACTCCTTCCCCTCAAAGACTTCCGGGGCGGCATACGGGGGGCTCCCACACCACGTGGACA-3'
Protein context (NP_775490.2, residues 190-210): AAPEVFEGKE[Tyr200Cys]EGPQLDIWSL

ClinVar aggregate classification (germline): Uncertain significance (1 of 4 stars; one submission).

Conditions:
Developmental and epileptic encephalopathy, 30 (DEE30). Also called: Epileptic encephalopathy, early infantile, 30. Identifiers: MedGen C4225360, MONDO:0014595, OMIM 616341.

Submission:

Labcorp Genetics (formerly Invitae), Labcorp
Classification: Uncertain significance for Developmental and epileptic encephalopathy, 30. Last evaluated: 2020-02-23. Review status: criteria provided, single submitter. Criteria: Invitae Variant Classification Sherloc (09022015). Collection method: clinical testing. Allele origin: germline.
Comment: Algorithms developed to predict the effect of missense changes on protein structure and function (SIFT, PolyPhen-2, Align-GVGD) all suggest that this variant is likely to be disruptive, but these predictions have not been confirmed by published functional studies and their clinical significance is uncertain. This variant has not been reported in the literature in individuals with SIK1-related conditions. This variant is not present in population databases (ExAC no frequency). This sequence change replaces tyrosine with cysteine at codon 200 of the SIK1 protein (p.Tyr200Cys). The tyrosine residue is highly conserved and there is a large physicochemical difference between tyrosine and cysteine. In summary, the available evidence is currently insufficient to determine the role of this variant in disease. Therefore, it has been classified as a Variant of Uncertain Significance.